The following is an entry in ClinVar:

NM_001258392.3(CLPB):c.1408G>A (p.Asp470Asn)

Gene: CLPB (ClpB family mitochondrial disaggregase; minus strand). Cytogenetic location: 11q13.4.
Variant type: single nucleotide variant.
Coding change: c.1408G>A on transcript NM_001258392.3 (MANE Select); coding-DNA position 1408, G replaced by A.
Protein change: p.Asp470Asn; replaces aspartic acid 470 with asparagine.
Molecular consequence: missense variant.
Genome position (GRCh38, 1-based): chr11:72,295,570, C>T on the plus strand (G>A on the coding strand, the complement: CLPB is on the minus strand). VCF-style: chr11-72295570-C-T. GRCh37 (hg19) VCF-style: chr11-72006614-C-T.
Other names: c.1321G>A, p.Asp441Asn (NM_001258393.3); c.1363G>A, p.Asp455Asn (NM_001258394.3); c.1498G>A, p.Asp500Asn (NM_030813.6); short protein forms D455N, D470N, D441N, D500N.
Identifiers: ClinVar variation 664884 (VCV000664884.9), dbSNP rs778269139, ClinGen allele CA6171178.

ClinVar aggregate classification (germline): Uncertain significance (1 of 4 stars; one submission).

Conditions:
3-methylglutaconic aciduria, type VIIB (MGCA7B). Also called: CLPB Deficiency; 3-methylglutaconic aciduria, type VII, with cataracts, neurologic involvement and neutropenia; 3-methylglutaconic aciduria with cataracts, neurologic involvement and neutropenia. Identifiers: Orphanet 445038, MedGen C5676893, MONDO:0014561, OMIM 616271.

Allele frequency attached by ClinVar (database versions not stated): gnomAD 0.00001; gnomAD exomes 0.00001 and 0.00002; ExAC 0.00002; TOPMed 0.00002.
gnomAD v4.1: 17 of 1,614,050 alleles (0.0011%); highest among the groups gnomAD compares: African/African-American, 0.0053%; no homozygotes.

Submission:

Labcorp Genetics (formerly Invitae), Labcorp
Classification: Uncertain significance for 3-methylglutaconic aciduria, type VIIB. Last evaluated: 2024-05-06. Review status: criteria provided, single submitter. Criteria: Invitae Variant Classification Sherloc (09022015). Collection method: clinical testing. Allele origin: germline.
Comment: This sequence change replaces aspartic acid, which is acidic and polar, with asparagine, which is neutral and polar, at codon 500 of the CLPB protein (p.Asp500Asn). This variant is present in population databases (rs778269139, gnomAD 0.007%). This variant has not been reported in the literature in individuals affected with CLPB-related conditions. ClinVar contains an entry for this variant (Variation ID: 664884). An algorithm developed to predict the effect of missense changes on protein structure and function (PolyPhen-2) suggests that this variant is likely to be tolerated. In summary, the available evidence is currently insufficient to determine the role of this variant in disease. Therefore, it has been classified as a Variant of Uncertain Significance.